The following is an entry in ClinVar:

ClinVar aggregate classification (germline): Uncertain significance. Review status: criteria provided, multiple submitters, no conflicts (2 of 4 stars). 2 submissions from 2 submitters: Uncertain significance (2). Last evaluated 2025-01-11.

Conditions:
Hereditary cancer-predisposing syndrome. Also called: Tumor predisposition; Neoplastic Syndromes, Hereditary; Hereditary neoplastic syndrome; Hereditary Cancer Syndrome. Identifiers: Orphanet 140162, MedGen C0027672, MeSH D009386, MONDO:0015356.
Breast-ovarian cancer, familial, susceptibility to, 4. Identifiers: Orphanet 145, MedGen C3280345, MONDO:0013669, OMIM 614291.

Submissions (2):

Ambry Genetics
Classification: Uncertain significance for Hereditary cancer-predisposing syndrome. Last evaluated: 2025-01-11. Review status: criteria provided, single submitter. Criteria: Ambry Variant Classification Scheme 2023. Collection method: clinical testing. Allele origin: germline.
Comment: The c.963delC variant, located in coding exon 10 of the RAD51D gene, results from a deletion of one nucleotide at nucleotide position 963, causing a translational frameshift with a predicted alternate stop codon (p.T322Hfs*29). This alteration occurs at the 3' terminus of theRAD51D gene, is not expected to trigger nonsense-mediated mRNAdecay and results in the elongation of the protein by 21 amino acids. This frameshift impacts the last 7amino acids of the native protein. The exact functional effect of the altered amino acids is unknown. Based on the available evidence, the clinical significance of this variant remains unclear.

Labcorp Genetics (formerly Invitae), Labcorp
Classification: Uncertain significance for Breast-ovarian cancer, familial, susceptibility to, 4. Last evaluated: 2019-12-16. Review status: criteria provided, single submitter. Criteria: Invitae Variant Classification Sherloc (09022015). Collection method: clinical testing. Allele origin: germline.
Comment: In summary, the available evidence is currently insufficient to determine the role of this variant in disease. Therefore, it has been classified as a Variant of Uncertain Significance. Experimental studies and prediction algorithms are not available or were not evaluated, and the functional significance of this variant is currently unknown. This variant has not been reported in the literature in individuals with RAD51D-related conditions. This variant is not present in population databases (ExAC no frequency). This sequence change results in a premature translational stop signal in the RAD51D gene (p.Thr322Hisfs*29). While this is not anticipated to result in nonsense mediated decay, it is expected to disrupt the last 7 amino acids of the RAD51D protein.

NM_002878.4(RAD51D):c.963del (p.Thr322fs)

Genes: RAD51D (RAD51 paralog D; minus strand), RAD51L3-RFFL (RAD51L3-RFFL readthrough; minus strand). Cytogenetic location: 17q12.
Variant type: Deletion.
Coding change: c.963del on transcript NM_002878.4 (MANE Select); coding-DNA position 963, one base deleted (C; older notation c.963delC).
Protein change: p.Thr322fs; shifts the reading frame from threonine 322.
Molecular consequence: frameshift variant. On other transcripts: non-coding transcript variant (2).
Genome position (GRCh38, 1-based): chr17:35,100,977, G deleted on the plus strand (C on the coding strand, the reverse complement: RAD51D is on the minus strand); the first of 2 consecutive G bases (chr17:35,100,977-35,100,978); deleting either gives the same sequence. VCF-style (leftmost placement, unchanged base first): chr17-35100976-TG-T. GRCh37 (hg19) VCF-style: chr17-33427995-TG-T.
Other names: c.1023del, p.Thr342fs (NM_001142571.2); c.627del, p.Thr210fs (NM_133629.3); c.963delC (NM_002878.3); short protein forms T342fs, T210fs, T322fs.
Identifiers: ClinVar variation 849774 (VCV000849774.7), dbSNP rs1555566948, ClinGen allele CA916081871.
Genomic context (GRCh38, chr17:35,100,976, plus strand): 5'-CCCCAATGCTTCCCTGTTTCCCAAACAACAGCACAGGTCATGTCTGATCACCCTGTAATG[TG>T]GCACTCTGCTCTGAGGTCCCCCAGGTCCCAATGTCTACCATCTCCTGGAAACCTGTTGGC-3'